The following is an entry in ClinVar:

NM_002471.4(MYH6):c.3857A>T (p.Asn1286Ile)

Gene: MYH6 (myosin heavy chain 6; minus strand). Cytogenetic location: 14q11.2.
Variant type: single nucleotide variant.
Coding change: c.3857A>T on transcript NM_002471.4 (MANE Select); coding-DNA position 3857, A replaced by T.
Protein change: p.Asn1286Ile; replaces asparagine 1286 with isoleucine.
Molecular consequence: missense variant.
Genome position (GRCh38, 1-based): chr14:23,389,595, T>A on the plus strand (A>T on the coding strand, the complement: MYH6 is on the minus strand). VCF-style: chr14-23389595-T-A. GRCh37 (hg19) VCF-style: chr14-23858804-T-A.
Other names: short protein forms N1286I.
Identifiers: ClinVar variation 228891 (VCV000228891.7), dbSNP rs772586397, ClinGen allele CA7115056.

ClinVar aggregate classification (germline): Uncertain significance. Review status: criteria provided, multiple submitters, no conflicts (2 of 4 stars). 3 submissions from 3 submitters: Uncertain significance (3). Last evaluated 2025-04-07.

Conditions:
Hypertrophic cardiomyopathy 14. Identifiers: MedGen C2750467, MONDO:0013197, OMIM 613251.
Cardiovascular phenotype. Identifiers: MedGen CN230736.

Allele frequency attached by ClinVar (database versions not stated): gnomAD exomes below 0.00001; ExAC 0.00001; TOPMed 0.00002.
gnomAD v4.1: 1 of 1,614,220 alleles (0.000062%); highest among the groups gnomAD compares: East Asian, 0.0022%; no homozygotes.

Submissions (3):

Labcorp Genetics (formerly Invitae), Labcorp
Classification: Uncertain significance for Hypertrophic cardiomyopathy 14. Last evaluated: 2025-04-07. Review status: criteria provided, single submitter. Criteria: Invitae Variant Classification Sherloc (09022015). Collection method: clinical testing. Allele origin: germline.
Comment: This sequence change replaces asparagine, which is neutral and polar, with isoleucine, which is neutral and non-polar, at codon 1286 of the MYH6 protein (p.Asn1286Ile). This variant is present in population databases (rs772586397, gnomAD 0.006%). This variant has not been reported in the literature in individuals affected with MYH6-related conditions. ClinVar contains an entry for this variant (Variation ID: 228891). An algorithm developed to predict the effect of missense changes on protein structure and function (PolyPhen-2) suggests that this variant is likely to be disruptive. In summary, the available evidence is currently insufficient to determine the role of this variant in disease. Therefore, it has been classified as a Variant of Uncertain Significance.

Ambry Genetics
Classification: Uncertain significance for Cardiovascular phenotype. Last evaluated: 2020-07-31. Review status: criteria provided, single submitter. Criteria: Ambry Variant Classification Scheme 2023. Collection method: clinical testing. Allele origin: germline.
Comment: The p.N1286I variant (also known as c.3857A>T), located in coding exon 25 of the MYH6 gene, results from an A to T substitution at nucleotide position 3857. The asparagine at codon 1286 is replaced by isoleucine, an amino acid with dissimilar properties. This amino acid position is well conserved in available vertebrate species. In addition, the in silico prediction for this alteration is inconclusive. Since supporting evidence is limited at this time, the clinical significance of this alteration remains unclear.

Laboratory for Molecular Medicine, Mass General Brigham Personalized Medicine
Classification: Uncertain significance. Last evaluated: 2015-03-04. Review status: criteria provided, single submitter. Criteria: LMM Criteria. Collection method: clinical testing. Allele origin: germline. Observed: 1 variant allele.
Comment: The p.Asn1286Ile variant in MYH6 has not been previously reported in individuals with cardiomyopathy, but has been identified in 1/8654 East Asian chromosomes b y the Exome Aggregation Consortium (ExAC). Compu tational prediction tools and conservation analysis suggest that this variant ma y impact the protein, though this information is not predictive enough to determ ine pathogenicity. In summary, the clinical significance of the p.Asn1286Ile var iant is uncertain.